The following is an entry in ClinVar:

NM_003282.4(TNNI2):c.118G>C (p.Glu40Gln)

Gene: TNNI2 (troponin I2, fast skeletal type; plus strand). Cytogenetic location: 11p15.5.
Variant type: single nucleotide variant.
Coding change: c.118G>C on transcript NM_003282.4 (MANE Select); coding-DNA position 118, G replaced by C.
Protein change: p.Glu40Gln; replaces glutamic acid 40 with glutamine.
Molecular consequence: missense variant.
Genome position (GRCh38, 1-based): chr11:1,840,588, G>C. VCF-style: chr11-1840588-G-C. GRCh37 (hg19) VCF-style: chr11-1861818-G-C.
Other names: c.118G>C, p.Glu40Gln (NM_001145829.2, NM_001145841.2); c.118G>C (NM_003282.3); short protein forms E40Q.
Identifiers: ClinVar variation 546655 (VCV000546655.43), dbSNP rs1554969616, ClinGen allele CA379105248.

ClinVar aggregate classification (germline): Uncertain significance. Review status: criteria provided, multiple submitters, no conflicts (2 of 4 stars). 2 submissions from 2 submitters: Uncertain significance (2). Last evaluated 2024-12-12.

gnomAD v4.1: 2 of 1,612,826 alleles (0.00012%); no homozygotes.

Submissions (2):

GeneDx
Classification: Uncertain significance. Last evaluated: 2024-12-12. Review status: criteria provided, single submitter. Criteria: GeneDx Variant Classification Process June 2021. Collection method: clinical testing. Allele origin: germline. Affected: yes.
Comment: Not observed at significant frequency in large population cohorts (gnomAD); In silico analysis indicates that this missense variant does not alter protein structure/function; Has not been previously published as pathogenic or benign to our knowledge; This variant is associated with the following publications: (PMID: 18331830)

CeGaT Center for Human Genetics Tuebingen
Classification: Uncertain significance. Last evaluated: 2017-11-01. Review status: criteria provided, single submitter. Criteria: CeGaT Center For Human Genetics Tuebingen Variant Classification Criteria Version 2. Collection method: clinical testing. Allele origin: germline. Affected: yes. Observed: 1 variant allele.